The following is an entry in ClinVar:

NM_000051.4(ATM):c.5980A>C (p.Lys1994Gln)

Genes: ATM (ATM serine/threonine kinase; plus strand), C11orf65 (chromosome 11 open reading frame 65; minus strand). Cytogenetic location: 11q22.3.
Variant type: single nucleotide variant.
Coding change: c.5980A>C on transcript NM_000051.4 (MANE Select); coding-DNA position 5980, A replaced by C.
Protein change: p.Lys1994Gln; replaces lysine 1994 with glutamine.
Molecular consequence: missense variant. On other transcripts: intron variant (2).
Genome position (GRCh38, 1-based): chr11:108,312,472, A>C. VCF-style: chr11-108312472-A-C. GRCh37 (hg19) VCF-style: chr11-108183199-A-C.
Other names: c.5980A>C, p.Lys1994Gln (NM_001351834.2); c.641-3401T>G (NM_001330368.2); c.*39-3401T>G (NM_001351110.2); short protein forms K1994Q.
Identifiers: ClinVar variation 1034667 (VCV001034667.9), dbSNP rs1565493693, ClinGen allele CA382548756.

ClinVar aggregate classification (germline): Uncertain significance (1 of 4 stars; one submission).

Conditions:
Ataxia-telangiectasia syndrome (AT). Also called: Ataxia telangiectasia (A-T); ATAXIA-TELANGIECTASIA, COMPLEMENTATION GROUP A; ATAXIA-TELANGIECTASIA, FRESNO VARIANT; Ataxia-telangiectasia; Ataxia-telangiectasia, complementation group E; LOUIS-BAR SYNDROME. Identifiers: Orphanet 100, MedGen C0004135, MONDO:0008840, OMIM 208900.

Submission:

Labcorp Genetics (formerly Invitae), Labcorp
Classification: Uncertain significance for Ataxia-telangiectasia syndrome. Last evaluated: 2023-12-06. Review status: criteria provided, single submitter. Criteria: Invitae Variant Classification Sherloc (09022015). Collection method: clinical testing. Allele origin: germline.
Comment: This sequence change replaces lysine, which is basic and polar, with glutamine, which is neutral and polar, at codon 1994 of the ATM protein (p.Lys1994Gln). This variant is not present in population databases (gnomAD no frequency). This variant has not been reported in the literature in individuals affected with ATM-related conditions. ClinVar contains an entry for this variant (Variation ID: 1034667). An algorithm developed to predict the effect of missense changes on protein structure and function (PolyPhen-2) suggests that this variant is likely to be tolerated. In summary, the available evidence is currently insufficient to determine the role of this variant in disease. Therefore, it has been classified as a Variant of Uncertain Significance.